The following is an entry in ClinVar:

ClinVar aggregate classification (germline): Uncertain significance (1 of 4 stars; one submission).

Conditions:
Psoriasis 2. Identifiers: MedGen C1864497, MONDO:0011269, OMIM 602723.
Pityriasis rubra pilaris (PRP). Also called: Pityriasis rubra pilaris--familial type. Identifiers: Orphanet 2897, MedGen C0032027, MONDO:0100017, OMIM 173200, MONDO:0008251.

Allele frequency attached by ClinVar (database versions not stated): gnomAD exomes 0.00001; TOPMed 0.00001; ExAC 0.00002.
gnomAD v4.1: 20 of 1,610,656 alleles (0.0012%); highest among the groups gnomAD compares: Non-Finnish European, 0.0016%; no homozygotes.

Submission:

Labcorp Genetics (formerly Invitae), Labcorp
Classification: Uncertain significance for Pityriasis rubra pilaris; Psoriasis 2. Last evaluated: 2024-11-18. Review status: criteria provided, single submitter. Criteria: Invitae Variant Classification Sherloc (09022015). Collection method: clinical testing. Allele origin: germline.
Comment: This sequence change replaces leucine, which is neutral and non-polar, with proline, which is neutral and non-polar, at codon 233 of the CARD14 protein (p.Leu233Pro). This variant is present in population databases (rs750975292, gnomAD 0.002%). This variant has not been reported in the literature in individuals affected with CARD14-related conditions. ClinVar contains an entry for this variant (Variation ID: 2923866). Invitae Evidence Modeling of protein sequence and biophysical properties (such as structural, functional, and spatial information, amino acid conservation, physicochemical variation, residue mobility, and thermodynamic stability) has been performed for this missense variant. However, the output from this modeling did not meet the statistical confidence thresholds required to predict the impact of this variant on CARD14 protein function. In summary, the available evidence is currently insufficient to determine the role of this variant in disease. Therefore, it has been classified as a Variant of Uncertain Significance.

NM_001366385.1(CARD14):c.698T>C (p.Leu233Pro)

Gene: CARD14 (caspase recruitment domain family member 14; plus strand). Cytogenetic location: 17q25.3.
Variant type: single nucleotide variant.
Coding change: c.698T>C on transcript NM_001366385.1 (MANE Select); coding-DNA position 698, T replaced by C.
Protein change: p.Leu233Pro; replaces leucine 233 with proline.
Molecular consequence: missense variant. On other transcripts: 5 prime UTR variant (1), non-coding transcript variant (1).
Genome position (GRCh38, 1-based): chr17:80,188,399, T>C. VCF-style: chr17-80188399-T-C. GRCh37 (hg19) VCF-style: chr17-78162198-T-C.
Other names: c.698T>C, p.Leu233Pro (NM_001257970.1, NM_024110.4); c.-14T>C (NM_052819.3); short protein forms L233P.
Identifiers: ClinVar variation 2923866 (VCV002923866.3), dbSNP rs750975292, ClinGen allele CA8816501.